The following is an entry in ClinVar:

ClinVar aggregate classification (germline): Conflicting classifications of pathogenicity. Review status: criteria provided, conflicting classifications (1 of 4 stars). 4 submissions from 4 submitters: Uncertain significance (1); Benign (1); Likely benign (2). Last evaluated 2025-12-08.

Conditions:
Epiphyseal dysplasia, multiple, 2 (EDM2). Also called: COL9A2-Related Multiple Epiphyseal Dysplasia. Identifiers: MedGen C1838429, MONDO:0010844, OMIM 600204.

Allele frequency attached by ClinVar (database versions not stated): gnomAD exomes 0.00003 and 0.00013; ExAC 0.00013; gnomAD 0.00032 and 0.00034; ESP Exome Variant Server 0.00038; TOPMed 0.00042; 1000 Genomes Project 0.00080; 1000 Genomes Project 30x 0.00094.
gnomAD v4.1: 89 of 1,613,612 alleles (0.0055%); highest among the groups gnomAD compares: African/African-American, 0.11%; 2 homozygotes.

Submissions (4):

Labcorp Genetics (formerly Invitae), Labcorp
Classification: Benign. Last evaluated: 2025-12-08. Review status: criteria provided, single submitter. Criteria: Invitae Variant Classification Sherloc (09022015). Collection method: clinical testing. Allele origin: germline.

Blueprint Genetics
Classification: Likely benign. Last evaluated: 2021-09-01. Review status: criteria provided, single submitter. Criteria: ACMG Guidelines, 2015. Collection method: clinical testing. Allele origin: germline.

Illumina Laboratory Services, Illumina
Classification: Likely benign for Epiphyseal dysplasia, multiple, 2. Last evaluated: 2018-01-12. Review status: criteria provided, single submitter. Criteria: ICSL Variant Classification Criteria 13 December 2019. Collection method: clinical testing. Allele origin: germline.
Comment: This variant was observed in the ICSL laboratory as part of a predisposition screen in an ostensibly healthy population. It had not been previously curated by ICSL or reported in the Human Gene Mutation Database (HGMD: prior to June 1st, 2018), and was therefore a candidate for classification through an automated scoring system. Utilizing variant allele frequency, disease prevalence and penetrance estimates, and inheritance mode, an automated score was calculated to assess if this variant is too frequent to cause the disease. Based on the score and internal cut-off values, a variant classified as likely benign is not then subjected to further curation. The score for this variant resulted in a classification of likely benign for this disease.

Eurofins Ntd Llc (ga)
Classification: Uncertain significance. Last evaluated: 2016-09-20. Review status: criteria provided, single submitter. Criteria: EGL Classification Definitions 2015. Collection method: clinical testing. Allele origin: germline. Observed: 1 variant allele, 1 heterozygote.

NM_001852.4(COL9A2):c.2058C>T (p.Ile686=)

Gene: COL9A2 (collagen type IX alpha 2 chain; minus strand). Cytogenetic location: 1p34.2.
Variant type: single nucleotide variant.
Coding change: c.2058C>T on transcript NM_001852.4 (MANE Select); coding-DNA position 2058, C replaced by T.
Protein change: p.Ile686=; no amino-acid change (isoleucine 686 retained).
Molecular consequence: synonymous variant.
Genome position (GRCh38, 1-based): chr1:40,301,194, G>A on the plus strand (C>T on the coding strand, the complement: COL9A2 is on the minus strand). VCF-style: chr1-40301194-G-A. GRCh37 (hg19) VCF-style: chr1-40766866-G-A.
Identifiers: ClinVar variation 291230 (VCV000291230.19), dbSNP rs115675008, ClinGen allele CA791247.